The following is an entry in ClinVar:

ClinVar aggregate classification (germline): Uncertain significance (1 of 4 stars; one submission).

Conditions:
MHC class II deficiency. Also called: Bare lymphocyte syndrome 2; BLS, TYPE II. Identifiers: Orphanet 572, MedGen C5447452, MONDO:0008855.

Allele frequency attached by ClinVar (database versions not stated): gnomAD exomes below 0.00001; TOPMed 0.00001.

Submission:

Labcorp Genetics (formerly Invitae), Labcorp
Classification: Uncertain significance for MHC class II deficiency. Last evaluated: 2021-08-28. Review status: criteria provided, single submitter. Criteria: Invitae Variant Classification Sherloc (09022015). Collection method: clinical testing. Allele origin: germline.
Comment: This sequence change replaces proline with threonine at codon 195 of the CIITA protein (p.Pro195Thr). The proline residue is weakly conserved and there is a small physicochemical difference between proline and threonine. This variant is not present in population databases (ExAC no frequency). This variant has not been reported in the literature in individuals affected with CIITA-related conditions. Algorithms developed to predict the effect of missense changes on protein structure and function output the following: SIFT: "Deleterious"; PolyPhen-2: "Possibly Damaging"; Align-GVGD: "Class C0". The threonine amino acid residue is found in multiple mammalian species, which suggests that this missense change does not adversely affect protein function. In summary, the available evidence is currently insufficient to determine the role of this variant in disease. Therefore, it has been classified as a Variant of Uncertain Significance.

NM_000246.4(CIITA):c.583C>A (p.Pro195Thr)

Gene: CIITA (class II major histocompatibility complex transactivator; plus strand). Cytogenetic location: 16p13.13.
Variant type: single nucleotide variant.
Coding change: c.583C>A on transcript NM_000246.4 (MANE Select); coding-DNA position 583, C replaced by A.
Protein change: p.Pro195Thr; replaces proline 195 with threonine.
Molecular consequence: missense variant. On other transcripts: non-coding transcript variant (1), intron variant (3).
Genome position (GRCh38, 1-based): chr16:10,902,139, C>A. VCF-style: chr16-10902139-C-A. GRCh37 (hg19) VCF-style: chr16-10995996-C-A.
Other names: c.586C>A, p.Pro196Thr (NM_001286402.1, NM_001379332.1); c.583C>A, p.Pro195Thr (NM_001379333.1); c.514C>A, p.Pro172Thr (NM_001379334.1); c.485-519C>A (NM_001379330.1); c.482-519C>A (NM_001379331.1, NM_001286403.2); short protein forms P195T, P196T, P172T.
Identifiers: ClinVar variation 950327 (VCV000950327.7), dbSNP rs1462945790, ClinGen allele CA394728362.
Genomic context (GRCh38, chr16:10,902,139, plus strand): 5'-CCAGTGAGCGACTGCTCCACCCTGCCCTGCCTGCCACTGCCTGCGCTGTTCAACCAGGAG[C>A]CAGCCTCCGGCCAGATGCGCCTGGAGAAAACCGACCAGATTCCCAGTATGTTAGGGGGCT-3'
Protein context (NP_000237.2, residues 185-205): LPLPALFNQE[Pro195Thr]ASGQMRLEKT